The following is an entry in ClinVar:

ClinVar aggregate classification (germline): Pathogenic (1 of 4 stars; one submission).

Conditions:
CHARGE syndrome (CHARGE). Also called: Hittner Hirsch Kreh syndrome; Coloboma, heart anomaly, choanal atresia, retardation, genital and ear anomalies; CHARGE association; Hall-Hittner syndrome; CHARGE ASSOCIATION--COLOBOMA, HEART ANOMALY, CHOANAL ATRESIA, RETARDATION, GENITAL AND EAR ANOMALIES. Identifiers: Orphanet 138, MedGen C0265354, MONDO:0008965.

Submission:

Labcorp Genetics (formerly Invitae), Labcorp
Classification: Pathogenic for CHARGE association. Last evaluated: 2019-10-16. Review status: criteria provided, single submitter. Criteria: Invitae Variant Classification Sherloc (09022015). Collection method: clinical testing. Allele origin: germline.
Comment: This sequence change creates a premature translational stop signal (p.Glu2429Valfs*40) in the CHD7 gene. It is expected to result in an absent or disrupted protein product. This variant is not present in population databases (ExAC no frequency). This variant has not been reported in the literature in individuals with CHD7-related conditions. Loss-of-function variants in CHD7 are known to be pathogenic (PMID: 22461308, 25077900). For these reasons, this variant has been classified as Pathogenic.

NM_017780.4(CHD7):c.7286_7287del (p.Glu2429fs)

Gene: CHD7 (chromodomain helicase DNA binding protein 7; plus strand). Cytogenetic location: 8q12.2.
Variant type: Microsatellite.
Coding change: c.7286_7287del on transcript NM_017780.4 (MANE Select); coding-DNA positions 7286 to 7287, 2 bases deleted (AG; older notation c.7286_7287delAG).
Protein change: p.Glu2429fs; shifts the reading frame from glutamic acid 2429.
Molecular consequence: frameshift variant. On other transcripts: intron variant (1).
Genome position (GRCh38, 1-based): chr8:60,856,566-60,856,567, AG deleted; deleting any 2 consecutive bases within chr8:60,856,563-60,856,567 gives the same sequence; the c. name uses the placement nearest the transcript's 3' end. VCF-style (leftmost placement, unchanged base first): chr8-60856562-CGA-C. GRCh37 (hg19) VCF-style: chr8-61769121-CGA-C.
Other names: c.1717-5663_1717-5662del (NM_001316690.1); short protein forms E2429fs.
Identifiers: ClinVar variation 954739 (VCV000954739.1), dbSNP rs1805724910, ClinGen allele CA1788112275.